The following is an entry in ClinVar:

NM_000245.4(MET):c.1715G>T (p.Ser572Ile)

Gene: MET (MET proto-oncogene, receptor tyrosine kinase; plus strand). Cytogenetic location: 7q31.2.
Variant type: single nucleotide variant.
Coding change: c.1715G>T on transcript NM_000245.4 (MANE Select); coding-DNA position 1715, G replaced by T.
Protein change: p.Ser572Ile; replaces serine 572 with isoleucine.
Molecular consequence: missense variant.
Genome position (GRCh38, 1-based): chr7:116,755,368, G>T. VCF-style: chr7-116755368-G-T. GRCh37 (hg19) VCF-style: chr7-116395422-G-T.
Other names: c.1715G>T, p.Ser572Ile (NM_001127500.3, NM_001324401.3); c.425G>T, p.Ser142Ile (NM_001324402.2); short protein forms S142I, S572I.
Identifiers: ClinVar variation 1970625 (VCV001970625.3), dbSNP rs199771406, ClinGen allele CA368977632.

ClinVar aggregate classification (germline): Uncertain significance. Review status: criteria provided, multiple submitters, no conflicts (2 of 4 stars). 2 submissions from 2 submitters: Uncertain significance (2). Last evaluated 2024-08-02.

Conditions:
Renal cell carcinoma. Identifiers: Orphanet 217071, MedGen C0007134, MeSH D002292, MONDO:0005086, HP:0005584.
Hereditary cancer-predisposing syndrome. Also called: Tumor predisposition; Hereditary Cancer Syndrome; Hereditary neoplastic syndrome; Neoplastic Syndromes, Hereditary. Identifiers: Orphanet 140162, MedGen C0027672, MeSH D009386, MONDO:0015356.

Submissions (2):

Ambry Genetics
Classification: Uncertain significance for Hereditary cancer-predisposing syndrome. Last evaluated: 2024-08-02. Review status: criteria provided, single submitter. Criteria: Ambry Variant Classification Scheme 2023. Collection method: clinical testing. Allele origin: germline.
Comment: The p.S572I variant (also known as c.1715G>T), located in coding exon 5 of the MET gene, results from a G to T substitution at nucleotide position 1715. The serine at codon 572 is replaced by isoleucine, an amino acid with dissimilar properties. This amino acid position is conserved. In addition, this alteration is predicted to be deleterious by in silico analysis. Based on the available evidence, the clinical significance of this variant remains unclear.

Labcorp Genetics (formerly Invitae), Labcorp
Classification: Uncertain significance for Renal cell carcinoma. Last evaluated: 2022-03-19. Review status: criteria provided, single submitter. Criteria: Invitae Variant Classification Sherloc (09022015). Collection method: clinical testing. Allele origin: germline.
Comment: This sequence change replaces serine, which is neutral and polar, with isoleucine, which is neutral and non-polar, at codon 572 of the MET protein (p.Ser572Ile). This variant is not present in population databases (gnomAD no frequency). This variant has not been reported in the literature in individuals affected with MET-related conditions. Algorithms developed to predict the effect of missense changes on protein structure and function are either unavailable or do not agree on the potential impact of this missense change (SIFT: "Deleterious"; PolyPhen-2: "Possibly Damaging"; Align-GVGD: "Class C0"). In summary, the available evidence is currently insufficient to determine the role of this variant in disease. Therefore, it has been classified as a Variant of Uncertain Significance.